The following is an entry in ClinVar:

NM_020365.5(EIF2B3):c.368C>T (p.Ala123Val)

Gene: EIF2B3 (eukaryotic translation initiation factor 2B subunit gamma; minus strand). Cytogenetic location: 1p34.1.
Variant type: single nucleotide variant.
Coding change: c.368C>T on transcript NM_020365.5 (MANE Select); coding-DNA position 368, C replaced by T.
Protein change: p.Ala123Val; replaces alanine 123 with valine.
Molecular consequence: missense variant.
Genome position (GRCh38, 1-based): chr1:44,941,592, G>A on the plus strand (C>T on the coding strand, the complement: EIF2B3 is on the minus strand). VCF-style: chr1-44941592-G-A. GRCh37 (hg19) VCF-style: chr1-45407264-G-A.
Other names: c.368C>T, p.Ala123Val (NM_001166588.3, NM_001261418.2); short protein forms A123V.
Identifiers: ClinVar variation 2053004 (VCV002053004.1), dbSNP rs749857178, ClinGen allele CA824044.

ClinVar aggregate classification (germline): Uncertain significance (1 of 4 stars; one submission).

Allele frequency attached by ClinVar (database versions not stated): ExAC 0.00001; gnomAD exomes 0.00001.
gnomAD v4.1: 12 of 1,613,938 alleles (0.00074%); highest among the groups gnomAD compares: Admixed American, 0.012%; no homozygotes.

Submission:

Labcorp Genetics (formerly Invitae), Labcorp
Classification: Uncertain significance. Last evaluated: 2022-07-24. Review status: criteria provided, single submitter. Criteria: Invitae Variant Classification Sherloc (09022015). Collection method: clinical testing. Allele origin: germline.
Comment: This sequence change replaces alanine, which is neutral and non-polar, with valine, which is neutral and non-polar, at codon 123 of the EIF2B3 protein (p.Ala123Val). This variant is present in population databases (rs749857178, gnomAD 0.02%). This variant has not been reported in the literature in individuals affected with EIF2B3-related conditions. Algorithms developed to predict the effect of missense changes on protein structure and function (SIFT, PolyPhen-2, Align-GVGD) all suggest that this variant is likely to be tolerated. In summary, the available evidence is currently insufficient to determine the role of this variant in disease. Therefore, it has been classified as a Variant of Uncertain Significance.